The following is an entry in ClinVar:

NM_032806.6(POMGNT2):c.363C>T (p.Thr121=)

Gene: POMGNT2 (protein O-linked mannose N-acetylglucosaminyltransferase 2 (beta 1,4-); minus strand). Cytogenetic location: 3p22.1.
Variant type: single nucleotide variant.
Coding change: c.363C>T on transcript NM_032806.6 (MANE Select); coding-DNA position 363, C replaced by T.
Protein change: p.Thr121=; no amino-acid change (threonine 121 retained).
Molecular consequence: synonymous variant.
Genome position (GRCh38, 1-based): chr3:43,081,069, G>A on the plus strand (C>T on the coding strand, the complement: POMGNT2 is on the minus strand). VCF-style: chr3-43081069-G-A. GRCh37 (hg19) VCF-style: chr3-43122561-G-A.
Identifiers: ClinVar variation 707751 (VCV000707751.33), dbSNP rs200345083, ClinGen allele CA2340098.
Genomic context (GRCh38, chr3:43,081,069, plus strand): 5'-GCGCAGGGCAGCAGCAGGCAGCTCCACGAAGTTGAAGTACTGAGTGTTGTGGTCCTCCAC[G>A]GTGGATAGGTCGAGCAGGGCTGGCTGGAAGCGCCGGGAGCCCAGGTTGGGCAGCATGACA-3'
Protein context (NP_116195.2, residues 111-131): RFQPALLDLS[Thr121=]VEDHNTQYFN

ClinVar aggregate classification (germline): Likely benign. Review status: criteria provided, multiple submitters, no conflicts (2 of 4 stars). 3 submissions from 3 submitters: Likely benign (3). Last evaluated 2025-11-01.

Conditions:
Muscular dystrophy-dystroglycanopathy (congenital with brain and eye anomalies), type a, 8 (MDDGA8). Also called: WALKER-WARBURG SYNDROME OR MUSCLE-EYE-BRAIN DISEASE, GTDC2-RELATED. Identifiers: Orphanet 899, MedGen C3553813, MONDO:0013904, OMIM 614830.

Allele frequency attached by ClinVar (database versions not stated): gnomAD 0.00005; ExAC 0.00007; TOPMed 0.00007; 1000 Genomes Project 0.00020; 1000 Genomes Project 30x 0.00031.
gnomAD v4.1: 90 of 1,614,226 alleles (0.0056%); highest among the groups gnomAD compares: Middle Eastern, 0.033%; 1 homozygote.

Submissions (3):

CeGaT Center for Human Genetics Tuebingen
Classification: Likely benign. Last evaluated: 2025-11-01. Review status: criteria provided, single submitter. Criteria: CeGaT Center For Human Genetics Tuebingen Variant Classification Criteria Version 2. Collection method: clinical testing. Allele origin: germline. Affected: yes. Observed: 1 variant allele.
Comment: POMGNT2: BP4, BP7

Labcorp Genetics (formerly Invitae), Labcorp
Classification: Likely benign for Muscular dystrophy-dystroglycanopathy (congenital with brain and eye anomalies), type a, 8. Last evaluated: 2025-09-17. Review status: criteria provided, single submitter. Criteria: Invitae Variant Classification Sherloc (09022015). Collection method: clinical testing. Allele origin: germline.

Blueprint Genetics
Classification: Likely benign. Last evaluated: 2023-10-10. Review status: criteria provided, single submitter. Criteria: ACMG Guidelines, 2015. Collection method: clinical testing. Allele origin: germline.